The following is an entry in ClinVar:

ClinVar aggregate classification (germline): Benign/Likely benign. Review status: criteria provided, multiple submitters, no conflicts (2 of 4 stars). 3 submissions from 3 submitters: Benign (1); Likely benign (1). 1 of the submissions does not count toward it. Last evaluated 2022-02-12.

Conditions:
Pancreatic cancer, susceptibility to, 1. Identifiers: Orphanet 1333, MedGen C1847351, MONDO:0011739, OMIM 606856.
PALLD-related disorder. Also called: PALLD-related condition.

Allele frequency attached by ClinVar (database versions not stated): gnomAD 0.00009 and 0.00014; TOPMed 0.00014; ESP Exome Variant Server 0.00015; ExAC 0.00022; gnomAD exomes 0.00026 and 0.00027.
gnomAD v4.1: 410 of 1,614,160 alleles (0.025%); highest among the groups gnomAD compares: South Asian, 0.15%; 1 homozygote.

Submissions (3):

Ambry Genetics
Classification: Likely benign. Last evaluated: 2022-02-12. Review status: criteria provided, single submitter. Criteria: Ambry Variant Classification Scheme 2023. Collection method: clinical testing. Allele origin: germline.

Illumina Laboratory Services, Illumina
Classification: Benign for Pancreatic cancer, susceptibility to, 1. Last evaluated: 2018-03-26. Review status: criteria provided, single submitter. Criteria: ICSL Variant Classification Criteria 13 December 2019. Collection method: clinical testing. Allele origin: germline.
Comment: This variant was observed in the ICSL laboratory as part of a predisposition screen in an ostensibly healthy population. It had not been previously curated by ICSL or reported in the Human Gene Mutation Database (HGMD: prior to June 1st, 2018), and was therefore a candidate for classification through an automated scoring system. Utilizing variant allele frequency, disease prevalence and penetrance estimates, and inheritance mode, an automated score was calculated to assess if this variant is too frequent to cause the disease. Based on the score and internal cut-off values, a variant classified as benign is not then subjected to further curation. The score for this variant resulted in a classification of benign for this disease.

PreventionGenetics, part of Exact Sciences
Classification: Likely benign for PALLD-related condition. Last evaluated: 2020-10-14. Review status: no assertion criteria provided. Collection method: clinical testing. Allele origin: germline. Not counted in ClinVar's aggregate classification.
Comment: This variant is classified as likely benign based on ACMG/AMP sequence variant interpretation guidelines (Richards et al. 2015 PMID: 25741868, with internal and published modifications).

NM_001166108.2(PALLD):c.453C>T (p.Asn151=)

Gene: PALLD (palladin, cytoskeletal associated protein; plus strand). Cytogenetic location: 4q32.3.
Variant type: single nucleotide variant.
Coding change: c.453C>T on transcript NM_001166108.2 (MANE Select); coding-DNA position 453, C replaced by T.
Protein change: p.Asn151=; no amino-acid change (asparagine 151 retained).
Molecular consequence: synonymous variant.
Genome position (GRCh38, 1-based): chr4:168,511,957, C>T. VCF-style: chr4-168511957-C-T. GRCh37 (hg19) VCF-style: chr4-169433108-C-T.
Other names: c.453C>T, p.Asn151= (NM_016081.4).
Identifiers: ClinVar variation 900370 (VCV000900370.8), dbSNP rs143682790, ClinGen allele CA3135370.